The following is an entry in ClinVar:

NM_000387.6(SLC25A20):c.88C>T (p.Pro30Ser)

Gene: SLC25A20 (solute carrier family 25 member 20; minus strand). Cytogenetic location: 3p21.31.
Variant type: single nucleotide variant.
Coding change: c.88C>T on transcript NM_000387.6 (MANE Select); coding-DNA position 88, C replaced by T.
Protein change: p.Pro30Ser; replaces proline 30 with serine.
Molecular consequence: missense variant.
Genome position (GRCh38, 1-based): chr3:48,898,707, G>A on the plus strand (C>T on the coding strand, the complement: SLC25A20 is on the minus strand). VCF-style: chr3-48898707-G-A. GRCh37 (hg19) VCF-style: chr3-48936140-G-A.
Other names: short protein forms P30S.
Identifiers: ClinVar variation 853592 (VCV000853592.6), dbSNP rs780569251, ClinGen allele CA352639036.

ClinVar aggregate classification (germline): Uncertain significance (1 of 4 stars; one submission).

Conditions:
Carnitine acylcarnitine translocase deficiency (CACTD). Identifiers: Orphanet 159, MedGen C0342791, MONDO:0008918, OMIM 212138.

Submission:

Labcorp Genetics (formerly Invitae), Labcorp
Classification: Uncertain significance for Carnitine acylcarnitine translocase deficiency. Last evaluated: 2019-01-31. Review status: criteria provided, single submitter. Criteria: Invitae Variant Classification Sherloc (09022015). Collection method: clinical testing. Allele origin: germline.
Comment: In summary, the available evidence is currently insufficient to determine the role of this variant in disease. Therefore, it has been classified as a Variant of Uncertain Significance. Algorithms developed to predict the effect of missense changes on protein structure and function are either unavailable or do not agree on the potential impact of this missense change (SIFT: "Deleterious"; PolyPhen-2: "Probably Damaging"; Align-GVGD: "Class C0"). This variant has not been reported in the literature in individuals with SLC25A20-related conditions. This variant is not present in population databases (ExAC no frequency). This sequence change replaces proline with serine at codon 30 of the SLC25A20 protein (p.Pro30Ser). The proline residue is highly conserved and there is a moderate physicochemical difference between proline and serine.